The following is an entry in ClinVar:

ClinVar aggregate classification (germline): Uncertain significance (1 of 4 stars; one submission).

Allele frequency attached by ClinVar (database versions not stated): gnomAD exomes below 0.00001; TOPMed below 0.00001; ExAC 0.00001.

Submission:

Labcorp Genetics (formerly Invitae), Labcorp
Classification: Uncertain significance. Last evaluated: 2021-06-21. Review status: criteria provided, single submitter. Criteria: Invitae Variant Classification Sherloc (09022015). Collection method: clinical testing. Allele origin: germline.
Comment: In summary, the available evidence is currently insufficient to determine the role of this variant in disease. Therefore, it has been classified as a Variant of Uncertain Significance. Advanced modeling of protein sequence and biophysical properties (such as structural, functional, and spatial information, amino acid conservation, physicochemical variation, residue mobility, and thermodynamic stability) performed at Invitae indicates that this missense variant is expected to disrupt TPP1 protein function. This variant has not been reported in the literature in individuals with TPP1-related conditions. This variant is present in population databases (rs765595428, ExAC 0.009%). This sequence change replaces glutamic acid with glycine at codon 130 of the TPP1 protein (p.Glu130Gly). The glutamic acid residue is highly conserved and there is a moderate physicochemical difference between glutamic acid and glycine.

NM_000391.4(TPP1):c.389A>G (p.Glu130Gly)

Gene: TPP1 (tripeptidyl peptidase 1; minus strand). Cytogenetic location: 11p15.4.
Variant type: single nucleotide variant.
Coding change: c.389A>G on transcript NM_000391.4 (MANE Select); coding-DNA position 389, A replaced by G.
Protein change: p.Glu130Gly; replaces glutamic acid 130 with glycine.
Molecular consequence: missense variant.
Genome position (GRCh38, 1-based): chr11:6,617,420, T>C on the plus strand (A>G on the coding strand, the complement: TPP1 is on the minus strand). VCF-style: chr11-6617420-T-C. GRCh37 (hg19) VCF-style: chr11-6638651-T-C.
Other names: short protein forms E130G.
Identifiers: ClinVar variation 1362951 (VCV001362951.8), dbSNP rs765595428, ClinGen allele CA5858961.